The following is an entry in ClinVar:

ClinVar aggregate classification (germline): Pathogenic/Likely pathogenic. Review status: criteria provided, multiple submitters, no conflicts (2 of 4 stars). 2 submissions from 2 submitters: Pathogenic (1); Likely pathogenic (1). Last evaluated 2025-01-15.

Conditions:
Long QT syndrome 1 (LQT1). Identifiers: Orphanet 101016, Orphanet 768, MedGen C4551647, MONDO:0100316, OMIM 192500, MONDO:0008646.
Atrial fibrillation, familial, 3 (ATFB3). Identifiers: MedGen C1837014, MONDO:0011857, OMIM 607554.
Jervell and Lange-Nielsen syndrome 1 (JLNS1). Also called: PROLONGED QT INTERVAL IN EKG AND SUDDEN DEATH; SURDO-CARDIAC SYNDROME; CARDIOAUDITORY SYNDROME OF JERVELL AND LANGE-NIELSEN; DEAFNESS, CONGENITAL, AND FUNCTIONAL HEART DISEASE. Identifiers: Orphanet 768, Orphanet 90647, MedGen C4551509, MONDO:0024540, OMIM 220400.
Short QT syndrome type 2. Identifiers: Orphanet 51083, MedGen C1865019, MONDO:0012313, OMIM 609621.
Long QT syndrome (LQTS). Identifiers: MedGen C0023976, MeSH D008133, MONDO:0002442. Disease mechanism: loss of function. Inheritance: Various modes of inheritance.

Submissions (2):

Labcorp Genetics (formerly Invitae), Labcorp
Classification: Pathogenic for Long QT syndrome. Last evaluated: 2025-01-15. Review status: criteria provided, single submitter. Criteria: Invitae Variant Classification Sherloc (09022015). Collection method: clinical testing. Allele origin: germline.
Comment: This sequence change affects an acceptor splice site in intron 3 of the KCNQ1 gene. It is expected to disrupt RNA splicing. Variants that disrupt the donor or acceptor splice site typically lead to a loss of protein function (PMID: 16199547), and loss-of-function variants in KCNQ1 are known to be pathogenic (PMID: 9323054, 19862833). This variant is not present in population databases (gnomAD no frequency). Disruption of this splice site has been observed in individual(s) with Jervell and Lange-Nielsen syndrome (PMID: 22629021). In at least one individual the data is consistent with being in trans (on the opposite chromosome) from a pathogenic variant. It has also been observed to segregate with disease in related individuals. ClinVar contains an entry for this variant (Variation ID: 573523). Algorithms developed to predict the effect of sequence changes on RNA splicing suggest that this variant may disrupt the consensus splice site. For these reasons, this variant has been classified as Pathogenic.

Juno Genomics, Hangzhou Juno Genomics, Inc
Classification: Likely pathogenic for Long QT syndrome 1; Atrial fibrillation, familial, 3; Jervell and Lange-Nielsen syndrome 1; Short QT syndrome type 2. Review status: criteria provided, single submitter. Criteria: ACMG Guidelines, 2015. Collection method: clinical testing. Allele origin: germline.
Comment: Null variant in a gene where loss of function (LOF) is a known mechanism of disease.;Absent from controls (or at extremely low frequency if recessive) in Genome Aggregation Database.

Literature cited by the submitters: PubMed 16199547 (cited by Labcorp Genetics (formerly Invitae), Labcorp); PubMed 9323054 (cited by Labcorp Genetics (formerly Invitae), Labcorp); PubMed 19862833 (cited by Labcorp Genetics (formerly Invitae), Labcorp); PubMed 22629021 (cited by Labcorp Genetics (formerly Invitae), Labcorp).

NM_000218.3(KCNQ1):c.605-1G>C

Gene: KCNQ1 (potassium voltage-gated channel subfamily Q member 1; plus strand). Cytogenetic location: 11p15.5.
Variant type: single nucleotide variant.
Coding change: c.605-1G>C on transcript NM_000218.3 (MANE Select); the canonical splice acceptor site of the intron before coding-DNA position 605, G replaced by C.
Molecular consequence: splice acceptor variant. On other transcripts: intron variant (1).
Genome position (GRCh38, 1-based): chr11:2,571,324, G>C. VCF-style: chr11-2571324-G-C. GRCh37 (hg19) VCF-style: chr11-2592554-G-C.
Other names: c.335-1G>C (NM_001406837.1); c.605-1G>C (NM_001406836.1); c.478-12111G>C (NM_001406838.1); c.224-1G>C (NM_181798.2).
Identifiers: ClinVar variation 573523 (VCV000573523.11), dbSNP rs1564820372, ClinGen allele CA379130370.